The following is an entry in ClinVar:

NM_198525.3(KIF7):c.3784C>T (p.Arg1262Trp)

Gene: KIF7 (kinesin family member 7; minus strand). Cytogenetic location: 15q26.1.
Variant type: single nucleotide variant.
Coding change: c.3784C>T on transcript NM_198525.3 (MANE Select); coding-DNA position 3784, C replaced by T.
Protein change: p.Arg1262Trp; replaces arginine 1262 with tryptophan.
Molecular consequence: missense variant.
Genome position (GRCh38, 1-based): chr15:89,628,667, G>A on the plus strand (C>T on the coding strand, the complement: KIF7 is on the minus strand). VCF-style: chr15-89628667-G-A. GRCh37 (hg19) VCF-style: chr15-90171898-G-A.
Other names: short protein forms R1262W.
Identifiers: ClinVar variation 652558 (VCV000652558.19), dbSNP rs142598777, ClinGen allele CA7727531.
Genomic context (GRCh38, chr15:89,628,667, plus strand): 5'-GGCTCGAGCGTTTCCAGGTCAAGGGTAACGGAGCGTGGACCAAGTCCCGCGTCTCCTCCC[G>A]GGTGCGGGGGGCCCCCTCAGTGAGGGGGGACAGCCAGAGAAGCTCGGGTGCCAGGTGGAG-3'
Protein context (NP_940927.2, residues 1252-1272): SPLTEGAPRT[Arg1262Trp]EETRDLVHAP

ClinVar aggregate classification (germline): Conflicting classifications of pathogenicity. Review status: criteria provided, conflicting classifications (1 of 4 stars). 10 submissions from 10 submitters: Uncertain significance (7); Likely benign (2). 1 of the submissions does not count toward it. Last evaluated 2024-11-14.

Conditions:
Acrocallosal syndrome (ACLS). Also called: HALLUX DUPLICATION, POSTAXIAL POLYDACTYLY, AND ABSENCE OF CORPUS CALLOSUM; Schinzel syndrome 1; Absence of corpus callosum with unusual facial appearance, mental deficiency, duplication of the halluces and polydactyly. Identifiers: Orphanet 36, MedGen C0796147, MONDO:0008708, OMIM 200990.
Multiple epiphyseal dysplasia, Al-Gazali type. Also called: Macrocephaly with multiple epiphyseal dysplasia and distinctive facies. Identifiers: Orphanet 166024, MedGen C1846722, MONDO:0011778, OMIM 607131.
Hydrolethalus syndrome 2 (HLS2). Identifiers: Orphanet 2189, MedGen C3279899, MONDO:0013585, OMIM 614120.
KIF7-related disorder. Also called: KIF7-related condition.
Inborn genetic diseases. Identifiers: MedGen C0950123, MeSH D030342.

Allele frequency attached by ClinVar (database versions not stated): ESP Exome Variant Server 0.00015; ExAC 0.00021; gnomAD 0.00022 and 0.00026; gnomAD exomes 0.00022 and 0.00024; TOPMed 0.00023.
gnomAD v4.1: 350 of 1,613,066 alleles (0.022%); highest among the groups gnomAD compares: Middle Eastern, 0.18%; no homozygotes.

Submissions (10):

Blueprint Genetics
Classification: Likely benign. Last evaluated: 2024-11-14. Review status: criteria provided, single submitter. Criteria: ACMG Guidelines, 2015. Collection method: clinical testing. Allele origin: germline.

Fulgent Genetics
Classification: Uncertain significance for Acrocallosal syndrome; Multiple epiphyseal dysplasia, Al-Gazali type; Hydrolethalus syndrome 2. Last evaluated: 2024-06-04. Review status: criteria provided, single submitter. Criteria: ACMG Guidelines, 2015. Collection method: clinical testing. Allele origin: germline.

Labcorp Genetics (formerly Invitae), Labcorp
Classification: Uncertain significance for Acrocallosal syndrome. Last evaluated: 2023-12-11. Review status: criteria provided, single submitter. Criteria: Invitae Variant Classification Sherloc (09022015). Collection method: clinical testing. Allele origin: germline.
Comment: This sequence change replaces arginine, which is basic and polar, with tryptophan, which is neutral and slightly polar, at codon 1262 of the KIF7 protein (p.Arg1262Trp). This variant is present in population databases (rs142598777, gnomAD 0.06%). This variant has not been reported in the literature in individuals affected with KIF7-related conditions. ClinVar contains an entry for this variant (Variation ID: 652558). Advanced modeling of protein sequence and biophysical properties (such as structural, functional, and spatial information, amino acid conservation, physicochemical variation, residue mobility, and thermodynamic stability) performed at Invitae indicates that this missense variant is not expected to disrupt KIF7 protein function with a negative predictive value of 80%. In summary, the available evidence is currently insufficient to determine the role of this variant in disease. Therefore, it has been classified as a Variant of Uncertain Significance.

Baylor Genetics
Classification: Uncertain significance for Hydrolethalus syndrome 2. Last evaluated: 2022-10-31. Review status: criteria provided, single submitter. Criteria: ACMG Guidelines, 2015. Collection method: clinical testing. Allele origin: unknown.

Ambry Genetics
Classification: Uncertain significance for Inborn genetic diseases. Last evaluated: 2022-05-05. Review status: criteria provided, single submitter. Criteria: Ambry Variant Classification Scheme 2023. Collection method: clinical testing. Allele origin: germline.

Department of Pathology and Laboratory Medicine, Sinai Health System
Classification: Uncertain significance for Acrocallosal syndrome; Multiple epiphyseal dysplasia, Al-Gazali type; Hydrolethalus syndrome 2. Last evaluated: 2021-07-30. Review status: criteria provided, single submitter. Criteria: ACMG Guidelines, 2015. Collection method: research. Allele origin: germline.

GeneDx
Classification: Likely benign. Last evaluated: 2020-01-30. Review status: criteria provided, single submitter. Criteria: GeneDx Variant Classification Process June 2021. Collection method: clinical testing. Allele origin: germline. Affected: yes.

Revvity Omics, Revvity
Classification: Uncertain significance. Last evaluated: 2019-04-23. Review status: criteria provided, single submitter. Criteria: ACMG Guidelines, 2015. Collection method: clinical testing. Allele origin: germline.

Illumina Laboratory Services, Illumina
Classification: Uncertain significance for Acrocallosal syndrome. Last evaluated: 2018-01-13. Review status: criteria provided, single submitter. Criteria: ICSL Variant Classification Criteria 13 December 2019. Collection method: clinical testing. Allele origin: germline.

PreventionGenetics, part of Exact Sciences
Classification: Uncertain significance for KIF7-related condition. Last evaluated: 2024-05-14. Review status: no assertion criteria provided. Collection method: clinical testing. Allele origin: germline. Not counted in ClinVar's aggregate classification.
Comment: The KIF7 c.3784C>T variant is predicted to result in the amino acid substitution p.Arg1262Trp. To our knowledge, this variant has not been reported in the literature. This variant is reported in 0.058% of alleles in individuals of Ashkenazi Jewish descent in gnomAD. Although we suspect that this variant may be benign, at this time, the clinical significance of this variant is uncertain due to the absence of conclusive functional and genetic evidence.